The following is an entry in ClinVar:

NM_002429.6(MMP19):c.729G>A (p.Leu243=)

Gene: MMP19 (matrix metallopeptidase 19; minus strand). Cytogenetic location: 12q13.2.
Variant type: single nucleotide variant.
Coding change: c.729G>A on transcript NM_002429.6 (MANE Select); coding-DNA position 729, G replaced by A.
Protein change: p.Leu243=; no amino-acid change (leucine 243 retained).
Molecular consequence: synonymous variant. On other transcripts: non-coding transcript variant (2), intron variant (2).
Genome position (GRCh38, 1-based): chr12:55,839,533, C>T on the plus strand (G>A on the coding strand, the complement: MMP19 is on the minus strand). VCF-style: chr12-55839533-C-T. GRCh37 (hg19) VCF-style: chr12-56233317-C-T.
Other names: c.492G>A, p.Leu164= (NM_022791.2); c.521-799G>A (NM_001414375.1, NM_001272101.2).
Identifiers: ClinVar variation 2643064 (VCV002643064.24), dbSNP rs369026881, ClinGen allele CA6618649.
Genomic context (GRCh38, chr12:55,839,533, plus strand): 5'-CCTCACTAGGGGGAGGGACTGACCATAGAGAGCCTGGATCCCTGCCACATCATCTGGGTG[C>T]AGCTTAAAGTGGGGCCGGTAGCCCTCGTAGACTGGGGCCATGAGGGCCTGGGAATATCGG-3'
Protein context (NP_002420.1, residues 233-253): VYEGYRPHFK[Leu243=]HPDDVAGIQA

ClinVar aggregate classification (germline): Likely benign (1 of 4 stars; one submission).

Allele frequency attached by ClinVar (database versions not stated): gnomAD 0.00005; ExAC 0.00007; ESP Exome Variant Server 0.00008; TOPMed 0.00008.
gnomAD v4.1: 126 of 1,612,884 alleles (0.0078%); highest among the groups gnomAD compares: Middle Eastern, 0.76%; no homozygotes.

Submission:

CeGaT Center for Human Genetics Tuebingen
Classification: Likely benign. Last evaluated: 2022-10-01. Review status: criteria provided, single submitter. Criteria: CeGaT Center For Human Genetics Tuebingen Variant Classification Criteria Version 2. Collection method: clinical testing. Allele origin: germline. Affected: yes. Observed: 1 variant allele.
Comment: MMP19: BP4, BP7